The following is an entry in ClinVar:

NM_001673.5(ASNS):c.958G>T (p.Gly320Cys)

Genes: ASNS (asparagine synthetase (glutamine-hydrolyzing); minus strand), CZ1P-ASNS (CZ1P-ASNS readthrough; minus strand). Cytogenetic location: 7q21.3.
Variant type: single nucleotide variant.
Coding change: c.958G>T on transcript NM_001673.5 (MANE Select); coding-DNA position 958, G replaced by T.
Protein change: p.Gly320Cys; replaces glycine 320 with cysteine.
Molecular consequence: missense variant. On other transcripts: non-coding transcript variant (1).
Genome position (GRCh38, 1-based): chr7:97,856,762, C>A on the plus strand (G>T on the coding strand, the complement: ASNS is on the minus strand). VCF-style: chr7-97856762-C-A. GRCh37 (hg19) VCF-style: chr7-97486074-C-A.
Other names: c.958G>T, p.Gly320Cys (NM_133436.3, NM_183356.4, NM_001352496.2); c.709G>T, p.Gly237Cys (NM_001178076.2, NM_001178077.1); c.895G>T, p.Gly299Cys (NM_001178075.2); short protein forms G299C, G320C, G237C.
Identifiers: ClinVar variation 3019391 (VCV003019391.3), dbSNP rs2484649790, ClinGen allele CA368266967.

ClinVar aggregate classification (germline): Uncertain significance (1 of 4 stars; one submission).

Submission:

Labcorp Genetics (formerly Invitae), Labcorp
Classification: Uncertain significance. Last evaluated: 2023-07-25. Review status: criteria provided, single submitter. Criteria: Invitae Variant Classification Sherloc (09022015). Collection method: clinical testing. Allele origin: germline.
Comment: In summary, the available evidence is currently insufficient to determine the role of this variant in disease. Therefore, it has been classified as a Variant of Uncertain Significance. Advanced modeling of protein sequence and biophysical properties (such as structural, functional, and spatial information, amino acid conservation, physicochemical variation, residue mobility, and thermodynamic stability) performed at Invitae indicates that this missense variant is not expected to disrupt ASNS protein function. This variant has not been reported in the literature in individuals affected with ASNS-related conditions. This variant is not present in population databases (gnomAD no frequency). This sequence change replaces glycine, which is neutral and non-polar, with cysteine, which is neutral and slightly polar, at codon 320 of the ASNS protein (p.Gly320Cys).